The following is an entry in ClinVar:

NM_173648.4(CCDC141):c.2902A>G (p.Thr968Ala)

Gene: CCDC141 (coiled-coil domain containing 141; minus strand). Cytogenetic location: 2q31.2.
Variant type: single nucleotide variant.
Coding change: c.2902A>G on transcript NM_173648.4 (MANE Select); coding-DNA position 2902, A replaced by G.
Protein change: p.Thr968Ala; replaces threonine 968 with alanine.
Molecular consequence: missense variant.
Genome position (GRCh38, 1-based): chr2:178,855,505, T>C on the plus strand (A>G on the coding strand, the complement: CCDC141 is on the minus strand). VCF-style: chr2-178855505-T-C. GRCh37 (hg19) VCF-style: chr2-179720232-T-C.
Other names: short protein forms T968A.
Identifiers: ClinVar variation 2026093 (VCV002026093.4), dbSNP rs2535307530, ClinGen allele CA349441900.
Genomic context (GRCh38, chr2:178,855,505, plus strand): 5'-TCATGACTTCCAAAAGGACATTAACTTTATCACTTGGATAATTTAAGAAAGAATCAGAGG[T>C]TTTATTACTAACTTTTTCCATTTTCCTTTTCAAAGCCTGTGTGAAAAACAAAAAGTTTTT-3'
Protein context (NP_775919.3, residues 958-978): KRKMEKVSNK[Thr968Ala]SDSFLNYPSD

ClinVar aggregate classification (germline): Uncertain significance (1 of 4 stars; one submission).

Submission:

Labcorp Genetics (formerly Invitae), Labcorp
Classification: Uncertain significance. Last evaluated: 2022-08-31. Review status: criteria provided, single submitter. Criteria: Invitae Variant Classification Sherloc (09022015). Collection method: clinical testing. Allele origin: germline.
Comment: In summary, the available evidence is currently insufficient to determine the role of this variant in disease. Therefore, it has been classified as a Variant of Uncertain Significance. Algorithms developed to predict the effect of missense changes on protein structure and function (SIFT, PolyPhen-2, Align-GVGD) all suggest that this variant is likely to be tolerated. This variant has not been reported in the literature in individuals affected with CCDC141-related conditions. This variant is not present in population databases (gnomAD no frequency). This sequence change replaces threonine, which is neutral and polar, with alanine, which is neutral and non-polar, at codon 968 of the CCDC141 protein (p.Thr968Ala).